The following is an entry in ClinVar:

NM_000038.6(APC):c.706C>T (p.Gln236Ter)

Gene: APC (APC regulator of Wnt signaling pathway; plus strand). Cytogenetic location: 5q22.2.
Variant type: single nucleotide variant.
Coding change: c.706C>T on transcript NM_000038.6 (MANE Select); coding-DNA position 706, C replaced by T.
Protein change: p.Gln236Ter; replaces glutamine 236 with a stop codon.
Molecular consequence: nonsense. On other transcripts: 5 prime UTR variant (1), intron variant (2).
Genome position (GRCh38, 1-based): chr5:112,792,506, C>T. VCF-style: chr5-112792506-C-T. GRCh37 (hg19) VCF-style: chr5-112128203-C-T.
Other names: c.706C>T, p.Gln236Ter (NM_001127510.3, NM_001354895.2, NM_001354896.2 and 1 more transcripts); c.736C>T, p.Gln246Ter (NM_001354897.2, NM_001354902.2); c.631C>T, p.Gln211Ter (NM_001354898.2, NM_001354904.2); c.529C>T, p.Gln177Ter (NM_001354900.2, NM_001354901.2, NM_001354905.2); c.-330C>T (NM_001354906.2); c.676-8773C>T (NM_001127511.3); c.646-8773C>T (NM_001354899.2); short protein forms Q236*, Q177*, Q246*, Q211*.
Identifiers: ClinVar variation 433612 (VCV000433612.16), dbSNP rs1554074786, ClinGen allele CA16022877.

ClinVar aggregate classification (germline): Pathogenic. Review status: criteria provided, multiple submitters, no conflicts (2 of 4 stars). 4 submissions from 4 submitters: Pathogenic (3). 1 of the submissions does not count toward it. Last evaluated 2023-12-28.

Conditions:
Hereditary cancer-predisposing syndrome. Also called: Hereditary neoplastic syndrome; Hereditary Cancer Syndrome; Tumor predisposition; Neoplastic Syndromes, Hereditary. Identifiers: Orphanet 140162, MedGen C0027672, MeSH D009386, MONDO:0015356.
Familial adenomatous polyposis 1 (FAP1). Also called: FAMILIAL ADENOMATOUS POLYPOSIS 1, ATTENUATED; POLYPOSIS, ADENOMATOUS INTESTINAL. Identifiers: MedGen C2713442, MONDO:0021056, OMIM 175100. Disease mechanism: loss of function.
Carcinoma of colon (CRC). Also called: Colon carcinoma; Colonic carcinoma. Identifiers: MedGen C0699790, MONDO:0002032.

Submissions (4):

Labcorp Genetics (formerly Invitae), Labcorp
Classification: Pathogenic for Familial adenomatous polyposis 1. Last evaluated: 2023-12-28. Review status: criteria provided, single submitter. Criteria: Invitae Variant Classification Sherloc (09022015). Collection method: clinical testing. Allele origin: germline.
Comment: This sequence change creates a premature translational stop signal (p.Gln236*) in the APC gene. It is expected to result in an absent or disrupted protein product. Loss-of-function variants in APC are known to be pathogenic (PMID: 17963004, 20685668). This variant is not present in population databases (gnomAD no frequency). This premature translational stop signal has been observed in individual(s) with clinical features of familial adenomatous polyposis (PMID: 12007223). ClinVar contains an entry for this variant (Variation ID: 433612). For these reasons, this variant has been classified as Pathogenic.

Myriad Genetics, Inc.
Classification: Pathogenic for Familial adenomatous polyposis 1. Last evaluated: 2023-04-27. Review status: criteria provided, single submitter. Criteria: Myriad Autosomal Dominant, Autosomal Recessive and X-Linked Classification Criteria (2023). Collection method: clinical testing. Allele origin: unknown.
Comment: This variant is considered pathogenic. This variant creates a termination codon and is predicted to result in premature protein truncation.

Ambry Genetics
Classification: Pathogenic for Hereditary cancer-predisposing syndrome. Last evaluated: 2020-08-06. Review status: criteria provided, single submitter. Criteria: Ambry Variant Classification Scheme 2023. Collection method: clinical testing. Allele origin: germline.
Comment: The p.Q236* variant (also known as c.706C>T), located in coding exon 6 of the APC gene, results from a C to T substitution at nucleotide position 706. This changes the amino acid from a glutamine to a stop codon within coding exon 6. This mutation has been observed in an Israeli polyposis cohort and in 1/53 South Asian families with Familial Adenomatous Polyposis (Gavert N et al. Hum. Mutat., 2002 Jun;19:664; Khan N et al. Sci Rep, 2017 05;7:2214). In addition to the clinical data presented in the literature, this alteration is expected to result in loss of function by premature protein truncation or nonsense-mediated mRNA decay. As such, this alteration is interpreted as a disease-causing mutation.

Department of Pathology and Laboratory Medicine, Sinai Health System
Classification: Pathogenic for Carcinoma of colon. Review status: no assertion criteria provided. Collection method: clinical testing. Allele origin: unknown. Affected: yes. Study: The Canadian Open Genetics Repository (COGR). Not counted in ClinVar's aggregate classification.
Comment: The p.Gln236X variant has been reported in the literature in 1/142 proband chromosomes of an individual from a FAP family; it was not found in any of the 100 control chromosomes evaluated (Gavert 2002). It was also reported in the InSiGHT Colon Cancer (x1) database. The variant leads to a premature stop codon at position 236 which is predicted to cause premature truncation or absent protein product and loss of function. Loss of function variants of the APC gene are an established disease mechanism in FAP. In summary, based on the above information, this variant is classified as pathogenic.

Literature cited by the submitters: PubMed 17963004 (cited by Labcorp Genetics (formerly Invitae), Labcorp); PubMed 20685668 (cited by Labcorp Genetics (formerly Invitae), Labcorp); PubMed 12007223 (cited by Labcorp Genetics (formerly Invitae), Labcorp and Ambry Genetics); PubMed 28533537 (cited by Ambry Genetics).